The following is an entry in ClinVar:

ClinVar aggregate classification (germline): Pathogenic (1 of 4 stars; one submission).

Conditions:
Intellectual developmental disorder, autosomal dominant 43. Also called: Intellectual disability, autosomal dominant 43. Identifiers: MedGen C4707429, MONDO:0014858, OMIM 616977.

Submission:

Victorian Clinical Genetics Services, Murdoch Childrens Research Institute
Classification: Pathogenic for Intellectual developmental disorder, autosomal dominant 43. Last evaluated: 2026-07-22. Review status: criteria provided, single submitter. Criteria: ACMG Guidelines, 2015. Collection method: clinical testing. Allele origin: germline. Affected: yes.
Comment: This variant is classified as Pathogenic. Evidence in support of pathogenic classification: This variant is predicted to cause nonsense-mediated decay (NMD) and loss of protein (premature termination codon is located at least 54 nucleotides upstream of the final exon-exon junction); This variant is absent from gnomAD v4; Other variants comparable to the one identified in this case have very strong previous evidence for pathogenicity (DECIPHER). Additional information: This variant is heterozygous; This gene is associated with autosomal dominant disease; Loss of function is a known mechanism of disease in this gene and is associated with autosomal dominant intellectual developmental disorder 43 (MIM#616977) - Inheritance information for this variant is not currently available in this individual.

NM_006734.4(HIVEP2):c.5651dup (p.Lys1885fs)

Gene: HIVEP2 (HIVEP zinc finger 2; minus strand). Cytogenetic location: 6q24.2.
Variant type: Duplication.
Coding change: c.5651dup on transcript NM_006734.4 (MANE Select); coding-DNA position 5651, one base duplicated (A; older notation c.5651dupA).
Protein change: p.Lys1885fs; shifts the reading frame from lysine 1885.
Molecular consequence: frameshift variant.
Genome position (GRCh38, 1-based): chr6:142,760,637, T duplicated on the plus strand (A on the coding strand, the reverse complement: HIVEP2 is on the minus strand). VCF-style (leftmost placement, unchanged base first): chr6-142760636-C-CT. GRCh37 (hg19) VCF-style: chr6-143081773-C-CT.
Other names: c.5651dup, p.Lys1885fs (NM_001438449.1, NM_001438450.1, NM_001438451.1); short protein forms K1885fs.
Identifiers: ClinVar variation 4879738 (VCV004879738.1).
Genomic context (GRCh38, chr6:142,760,636, plus strand): 5'-ATCTGATTCCTCAGCATCGGAGAACTGATGATCAGTTGAAATGCTGGACATGCTATGCTT[C>CT]TCTGCTGCTTTGTGCAAATCTTCCAAATTTTCTGAAACAATTAAACAAAGATAATGGAGA-3'